The following is an entry in ClinVar:

NM_152564.5(VPS13B):c.5093G>T (p.Gly1698Val)

Gene: VPS13B (vacuolar protein sorting 13 homolog B; plus strand). Cytogenetic location: 8q22.2.
Variant type: single nucleotide variant.
Coding change: c.5093G>T on transcript NM_152564.5 (MANE Select); coding-DNA position 5093, G replaced by T.
Protein change: p.Gly1698Val; replaces glycine 1698 with valine.
Molecular consequence: missense variant.
Genome position (GRCh38, 1-based): chr8:99,577,506, G>T. VCF-style: chr8-99577506-G-T. GRCh37 (hg19) VCF-style: chr8-100589734-G-T.
Other names: c.5168G>T (NM_017890.3); c.5168G>T, p.Gly1723Val (NM_017890.5); c.5093G>T (NM_152564.4); short protein forms G1723V, G1698V.
Identifiers: ClinVar variation 361065 (VCV000361065.19), dbSNP rs368362777, ClinGen allele CA4823749.
Genomic context (GRCh38, chr8:99,577,506, plus strand): 5'-AGCTATCATGTTTCTTTATCTGTATTCTACCGTTTTTGCTTCAGGAGATTTTAGTGTGTG[G>T]CCATTCCTTAGAAGTGAATATAACCACAAACCTGGACTTCTTCCTAAGTGTGGCTCAAGT-3'
Protein context (NP_689777.3, residues 1688-1708): NLHTEEILVC[Gly1698Val]HSLEVNITTN

ClinVar aggregate classification (germline): Uncertain significance. Review status: criteria provided, multiple submitters, no conflicts (2 of 4 stars). 8 submissions from 8 submitters: Uncertain significance (6). 2 of the submissions do not count toward it. Last evaluated 2025-01-21.

Conditions:
VPS13B-related disorder. Also called: VPS13B-related condition.
Cohen syndrome (COH1). Also called: Cutis verticis gyrata, retinitis pigmentosa, and sensorineural deafness; PEPPER SYNDROME. Identifiers: Orphanet 193, MedGen C0265223, MONDO:0008999, OMIM 216550.

Allele frequency attached by ClinVar (database versions not stated): gnomAD exomes 0.00006; TOPMed 0.00006; gnomAD 0.00007; ESP Exome Variant Server 0.00008.
gnomAD v4.1: 96 of 1,613,574 alleles (0.0059%); highest among the groups gnomAD compares: Non-Finnish European, 0.0072%; no homozygotes.

Submissions (8):

Athena Diagnostics
Classification: Uncertain significance. Last evaluated: 2025-01-21. Review status: criteria provided, single submitter. Criteria: Athena Diagnostics Criteria. Collection method: clinical testing. Allele origin: unknown.
Comment: Available data are insufficient to determine the clinical significance of the variant at this time. The frequency of this variant in the general population is uninformative in assessment of its pathogenicity. Polyphen and MutationTaster predict this amino acid change may be damaging to the protein.

Labcorp Genetics (formerly Invitae), Labcorp
Classification: Uncertain significance for Cohen syndrome. Last evaluated: 2022-10-17. Review status: criteria provided, single submitter. Criteria: Invitae Variant Classification Sherloc (09022015). Collection method: clinical testing. Allele origin: germline.
Comment: This sequence change replaces glycine, which is neutral and non-polar, with valine, which is neutral and non-polar, at codon 1723 of the VPS13B protein (p.Gly1723Val). This variant is present in population databases (rs368362777, gnomAD 0.006%). This variant has not been reported in the literature in individuals affected with VPS13B-related conditions. ClinVar contains an entry for this variant (Variation ID: 361065). Advanced modeling of protein sequence and biophysical properties (such as structural, functional, and spatial information, amino acid conservation, physicochemical variation, residue mobility, and thermodynamic stability) performed at Invitae indicates that this missense variant is expected to disrupt VPS13B protein function. In summary, the available evidence is currently insufficient to determine the role of this variant in disease. Therefore, it has been classified as a Variant of Uncertain Significance.

Blueprint Genetics
Classification: Uncertain significance. Last evaluated: 2021-08-23. Review status: criteria provided, single submitter. Criteria: ACMG Guidelines, 2015. Collection method: clinical testing. Allele origin: germline.

GeneDx
Classification: Uncertain significance. Last evaluated: 2019-11-21. Review status: criteria provided, single submitter. Criteria: GeneDx Variant Classification Process June 2021. Collection method: clinical testing. Allele origin: germline. Affected: yes.
Comment: Not observed at a significant frequency in large population cohorts (Lek et al., 2016); In silico analysis, which includes protein predictors and evolutionary conservation, supports a deleterious effect; Has not been previously published as pathogenic or benign to our knowledge

Baylor Genetics
Classification: Uncertain significance for Cohen syndrome. Last evaluated: 2018-02-07. Review status: criteria provided, single submitter. Criteria: ACMG Guidelines, 2015. Collection method: clinical testing. Allele origin: unknown. Affected: yes.
Comment: This variant was determined to be of uncertain significance according to ACMG Guidelines, 2015 [PMID:25741868].

Illumina Laboratory Services, Illumina
Classification: Uncertain significance for Cohen syndrome. Last evaluated: 2018-01-13. Review status: criteria provided, single submitter. Criteria: ICSL Variant Classification Criteria 13 December 2019. Collection method: clinical testing. Allele origin: germline.

PreventionGenetics, part of Exact Sciences
Classification: Uncertain significance for VPS13B-related condition. Last evaluated: 2024-09-06. Review status: no assertion criteria provided. Collection method: clinical testing. Allele origin: germline. Not counted in ClinVar's aggregate classification.
Comment: The VPS13B c.5093G>T variant is predicted to result in the amino acid substitution p.Gly1698Val. To our knowledge, this variant has not been reported in the literature. This variant is reported in 0.0046% of alleles in individuals of European (Non-Finnish) descent in gnomAD. At this time, the clinical significance of this variant is uncertain due to the absence of conclusive functional and genetic evidence.

Natera, Inc.
Classification: Uncertain significance for Cohen syndrome. Last evaluated: 2020-09-16. Review status: no assertion criteria provided. Collection method: clinical testing. Allele origin: germline. Not counted in ClinVar's aggregate classification.